The following is an entry in ClinVar:

NM_014363.6(SACS):c.1196G>C (p.Gly399Ala)

Gene: SACS (sacsin molecular chaperone; minus strand). Cytogenetic location: 13q12.12.
Variant type: single nucleotide variant.
Coding change: c.1196G>C on transcript NM_014363.6 (MANE Select); coding-DNA position 1196, G replaced by C.
Protein change: p.Gly399Ala; replaces glycine 399 with alanine.
Molecular consequence: missense variant.
Genome position (GRCh38, 1-based): chr13:23,355,416, C>G on the plus strand (G>C on the coding strand, the complement: SACS is on the minus strand). VCF-style: chr13-23355416-C-G. GRCh37 (hg19) VCF-style: chr13-23929555-C-G.
Other names: c.755G>C, p.Gly252Ala (NM_001278055.2); short protein forms G252A, G399A.
Identifiers: ClinVar variation 2444740 (VCV002444740.1), dbSNP rs1436708286, ClinGen allele CA387549837.

ClinVar aggregate classification (germline): Uncertain significance (1 of 4 stars; one submission).

gnomAD v4.1: 1 of 1,614,144 alleles (0.000062%); highest among the groups gnomAD compares: Middle Eastern, 0.016%; no homozygotes.

Submission:

GeneDx
Classification: Uncertain significance. Last evaluated: 2022-09-15. Review status: criteria provided, single submitter. Criteria: GeneDx Variant Classification Process June 2021. Collection method: clinical testing. Allele origin: germline. Affected: yes.
Comment: Not observed at significant frequency in large population cohorts (gnomAD); In silico analysis supports that this missense variant does not alter protein structure/function; Has not been previously published as pathogenic or benign to our knowledge